The following is an entry in ClinVar:

NM_005876.5(SPEG):c.4419G>T (p.Gln1473His)

Gene: SPEG (striated muscle enriched protein kinase; plus strand). Cytogenetic location: 2q35.
Variant type: single nucleotide variant.
Coding change: c.4419G>T on transcript NM_005876.5 (MANE Select); coding-DNA position 4419, G replaced by T.
Protein change: p.Gln1473His; replaces glutamine 1473 with histidine.
Molecular consequence: missense variant.
Genome position (GRCh38, 1-based): chr2:219,473,875, G>T. VCF-style: chr2-219473875-G-T. GRCh37 (hg19) VCF-style: chr2-220338597-G-T.
Other names: short protein forms Q1473H.
Identifiers: ClinVar variation 2039235 (VCV002039235.4), dbSNP rs185047969, ClinGen allele CA350678695.

ClinVar aggregate classification (germline): Uncertain significance (1 of 4 stars; one submission).

Submission:

Labcorp Genetics (formerly Invitae), Labcorp
Classification: Uncertain significance. Last evaluated: 2021-12-10. Review status: criteria provided, single submitter. Criteria: Invitae Variant Classification Sherloc (09022015). Collection method: clinical testing. Allele origin: germline.
Comment: In summary, the available evidence is currently insufficient to determine the role of this variant in disease. Therefore, it has been classified as a Variant of Uncertain Significance. Algorithms developed to predict the effect of missense changes on protein structure and function are either unavailable or do not agree on the potential impact of this missense change (SIFT: "Deleterious"; PolyPhen-2: "Possibly Damaging"; Align-GVGD: "Class C0"). This variant has not been reported in the literature in individuals affected with SPEG-related conditions. This variant is not present in population databases (gnomAD no frequency). This sequence change replaces glutamine, which is neutral and polar, with histidine, which is basic and polar, at codon 1473 of the SPEG protein (p.Gln1473His).